The following is an entry in ClinVar:

NM_001369.3(DNAH5):c.9720+4G>A

Gene: DNAH5 (dynein axonemal heavy chain 5; minus strand). Cytogenetic location: 5p15.2.
Variant type: single nucleotide variant.
Coding change: c.9720+4G>A on transcript NM_001369.3 (MANE Select); 4 bases into the intron after coding-DNA position 9720, G replaced by A.
Molecular consequence: intron variant.
Genome position (GRCh38, 1-based): chr5:13,769,497, C>T on the plus strand (G>A on the coding strand, the complement: DNAH5 is on the minus strand). VCF-style: chr5-13769497-C-T. GRCh37 (hg19) VCF-style: chr5-13769606-C-T.
Identifiers: ClinVar variation 1767982 (VCV001767982.2), dbSNP rs2546658515, ClinGen allele CA2580072201.

ClinVar aggregate classification (germline): Uncertain significance (1 of 4 stars; one submission).

Conditions:
Primary ciliary dyskinesia. Also called: Ciliary dyskinesia. Identifiers: Orphanet 244, MedGen C0008780, MONDO:0016575, HP:0012265.

Submission:

Ambry Genetics
Classification: Uncertain significance for Primary ciliary dyskinesia. Last evaluated: 2019-06-20. Review status: criteria provided, single submitter. Criteria: Ambry Variant Classification Scheme 2023. Collection method: clinical testing. Allele origin: germline.
Comment: The c.9720+4G>A intronic variant results from a G to A substitution 4 nucleotides after coding exon 57 in the DNAH5 gene. This nucleotide position is poorly conserved in available vertebrate species. Using the BDGP and ESEfinder splice site prediction tools, this alteration is not predicted to have any significant effect on this splice acceptor/donor site; however, direct evidence is unavailable. Since supporting evidence is limited at this time, the clinical significance of this alteration remains unclear.